The following is an entry in ClinVar:

NM_000170.3(GLDC):c.2091T>G (p.Ile697Met)

Gene: GLDC (glycine decarboxylase; minus strand). Cytogenetic location: 9p24.1.
Variant type: single nucleotide variant.
Coding change: c.2091T>G on transcript NM_000170.3 (MANE Select); coding-DNA position 2091, T replaced by G.
Protein change: p.Ile697Met; replaces isoleucine 697 with methionine.
Molecular consequence: missense variant.
Genome position (GRCh38, 1-based): chr9:6,556,264, A>C on the plus strand (T>G on the coding strand, the complement: GLDC is on the minus strand). VCF-style: chr9-6556264-A-C. GRCh37 (hg19) VCF-style: chr9-6556264-A-C.
Other names: short protein forms I697M.
Identifiers: ClinVar variation 1393696 (VCV001393696.8), dbSNP rs2129726512, ClinGen allele CA372881391.

ClinVar aggregate classification (germline): Uncertain significance (1 of 4 stars; one submission).

Conditions:
Glycine encephalopathy. Also called: Nonketotic hyperglycinemia; Non-ketotic hyperglycinemia. Identifiers: Orphanet 407, MedGen C0751748, MONDO:0011612, HP:0008288.

Submission:

Labcorp Genetics (formerly Invitae), Labcorp
Classification: Uncertain significance for Glycine encephalopathy. Last evaluated: 2020-12-28. Review status: criteria provided, single submitter. Criteria: Invitae Variant Classification Sherloc (09022015). Collection method: clinical testing. Allele origin: germline.
Comment: In summary, the available evidence is currently insufficient to determine the role of this variant in disease. Therefore, it has been classified as a Variant of Uncertain Significance. Algorithms developed to predict the effect of missense changes on protein structure and function are either unavailable or do not agree on the potential impact of this missense change (SIFT: "Deleterious"; PolyPhen-2: "Possibly Damaging"; Align-GVGD: "Class C0"). This variant has not been reported in the literature in individuals with GLDC-related conditions. This variant is not present in population databases (ExAC no frequency). This sequence change replaces isoleucine with methionine at codon 697 of the GLDC protein (p.Ile697Met). The isoleucine residue is moderately conserved and there is a small physicochemical difference between isoleucine and methionine.